The following is an entry in ClinVar:

ClinVar aggregate classification (germline): Uncertain significance (1 of 4 stars; one submission).

Conditions:
Hereditary cancer-predisposing syndrome. Also called: Hereditary neoplastic syndrome; Hereditary Cancer Syndrome; Neoplastic Syndromes, Hereditary; Tumor predisposition. Identifiers: Orphanet 140162, MedGen C0027672, MeSH D009386, MONDO:0015356.

Allele frequency attached by ClinVar (database versions not stated): gnomAD exomes below 0.00001; TOPMed below 0.00001.
gnomAD v4.1: 3 of 1,614,194 alleles (0.00019%); highest among the groups gnomAD compares: Non-Finnish European, 0.00025%; no homozygotes.

Submission:

Ambry Genetics
Classification: Uncertain significance for Hereditary cancer-predisposing syndrome. Last evaluated: 2023-06-01. Review status: criteria provided, single submitter. Criteria: Ambry Variant Classification Scheme 2023. Collection method: clinical testing. Allele origin: germline.
Comment: The p.W1069R variant (also known as c.3205T>C), located in coding exon 20 of the RET gene, results from a T to C substitution at nucleotide position 3205. The tryptophan at codon 1069 is replaced by arginine, an amino acid with dissimilar properties. This amino acid position is conserved. In addition, this alteration is predicted to be deleterious by in silico analysis. Since supporting evidence is limited at this time, the clinical significance of this alteration remains unclear.

NM_020975.6(RET):c.3205T>C (p.Trp1069Arg)

Gene: RET (ret proto-oncogene; plus strand). Cytogenetic location: 10q11.21.
Variant type: single nucleotide variant.
Coding change: c.3205T>C on transcript NM_020975.6 (MANE Select); coding-DNA position 3205, T replaced by C.
Protein change: p.Trp1069Arg; replaces tryptophan 1069 with arginine.
Molecular consequence: missense variant. On other transcripts: 3 prime UTR variant (18), intron variant (3).
Genome position (GRCh38, 1-based): chr10:43,128,129, T>C. VCF-style: chr10-43128129-T-C. GRCh37 (hg19) VCF-style: chr10-43623577-T-C.
Other names: c.3205T>C, p.Trp1069Arg (NM_000323.2, NM_001406743.1); c.*1375T>C (NM_001355216.2, NM_001406764.1, NM_001406765.1 and 15 more transcripts); c.3145T>C, p.Trp1049Arg (NM_001406759.1, NM_001406760.1); c.3076T>C, p.Trp1026Arg (NM_001406761.1, NM_001406762.1); c.3070T>C, p.Trp1024Arg (NM_001406763.1); c.2917T>C, p.Trp973Arg (NM_001406766.1, NM_001406767.1); c.2809T>C, p.Trp937Arg (NM_001406769.1); c.2767T>C, p.Trp923Arg (NM_001406771.1); and 10 more; short protein forms W1069R, W923R, W1026R, W1049R, W566R, W1024R, W674R, W827R.
Identifiers: ClinVar variation 2568374 (VCV002568374.2), dbSNP rs1432376339, ClinGen allele CA376558827.